The following is an entry in ClinVar:

ClinVar aggregate classification (germline): Uncertain significance (1 of 4 stars; one submission).

Submission:

Labcorp Genetics (formerly Invitae), Labcorp
Classification: Uncertain significance. Last evaluated: 2025-03-07. Review status: criteria provided, single submitter. Criteria: Invitae Variant Classification Sherloc (09022015). Collection method: clinical testing. Allele origin: germline.
Comment: This sequence change replaces proline, which is neutral and non-polar, with serine, which is neutral and polar, at codon 38 of the CEP89 protein (p.Pro38Ser). This variant is not present in population databases (gnomAD no frequency). This variant has not been reported in the literature in individuals affected with CEP89-related conditions. An algorithm developed to predict the effect of missense changes on protein structure and function (PolyPhen-2) suggests that this variant is likely to be disruptive. In summary, the available evidence is currently insufficient to determine the role of this variant in disease. Therefore, it has been classified as a Variant of Uncertain Significance.

NM_032816.5(CEP89):c.112C>T (p.Pro38Ser)

Gene: CEP89 (centrosomal protein 89; minus strand). Cytogenetic location: 19q13.11.
Variant type: single nucleotide variant.
Coding change: c.112C>T on transcript NM_032816.5 (MANE Select); coding-DNA position 112, C replaced by T.
Protein change: p.Pro38Ser; replaces proline 38 with serine.
Molecular consequence: missense variant.
Genome position (GRCh38, 1-based): chr19:32,966,394, G>A on the plus strand (C>T on the coding strand, the complement: CEP89 is on the minus strand). VCF-style: chr19-32966394-G-A. GRCh37 (hg19) VCF-style: chr19-33457300-G-A.
Other names: short protein forms P38S.
Identifiers: ClinVar variation 4706443 (VCV004706443.1).